The following is an entry in ClinVar:

ClinVar aggregate classification (germline): Uncertain significance. Review status: criteria provided, multiple submitters, no conflicts (2 of 4 stars). 2 submissions from 2 submitters: Uncertain significance (2). Last evaluated 2024-10-07.

Conditions:
Inborn genetic diseases. Identifiers: MedGen C0950123, MeSH D030342.

Allele frequency attached by ClinVar (database versions not stated): TOPMed 0.00002; ExAC 0.00003; gnomAD 0.00004; gnomAD exomes 0.00005; ESP Exome Variant Server 0.00017.
gnomAD v4.1: 81 of 1,614,088 alleles (0.005%); highest among the groups gnomAD compares: Non-Finnish European, 0.0063%; no homozygotes.

Submissions (2):

Ambry Genetics
Classification: Uncertain significance for Inborn genetic diseases. Last evaluated: 2024-10-07. Review status: criteria provided, single submitter. Criteria: Ambry Variant Classification Scheme 2023. Collection method: clinical testing. Allele origin: germline.

Labcorp Genetics (formerly Invitae), Labcorp
Classification: Uncertain significance. Last evaluated: 2022-03-27. Review status: criteria provided, single submitter. Criteria: Invitae Variant Classification Sherloc (09022015). Collection method: clinical testing. Allele origin: germline.
Comment: In summary, the available evidence is currently insufficient to determine the role of this variant in disease. Therefore, it has been classified as a Variant of Uncertain Significance. Algorithms developed to predict the effect of missense changes on protein structure and function are either unavailable or do not agree on the potential impact of this missense change (SIFT: "Deleterious"; PolyPhen-2: "Probably Damaging"; Align-GVGD: "Class C0"). This variant has not been reported in the literature in individuals affected with RGS9-related conditions. This variant is present in population databases (rs369215628, gnomAD 0.004%). This sequence change replaces leucine, which is neutral and non-polar, with valine, which is neutral and non-polar, at codon 92 of the RGS9 protein (p.Leu92Val).

NM_003835.4(RGS9):c.274C>G (p.Leu92Val)

Gene: RGS9 (regulator of G protein signaling 9; plus strand). Cytogenetic location: 17q24.1.
Variant type: single nucleotide variant.
Coding change: c.274C>G on transcript NM_003835.4 (MANE Select); coding-DNA position 274, C replaced by G.
Protein change: p.Leu92Val; replaces leucine 92 with valine.
Molecular consequence: missense variant.
Genome position (GRCh38, 1-based): chr17:65,160,301, C>G. VCF-style: chr17-65160301-C-G. GRCh37 (hg19) VCF-style: chr17-63156419-C-G.
Other names: c.274C>G, p.Leu92Val (NM_001081955.3, NM_001165933.2); c.274C>G (NM_003835.3); short protein forms L92V.
Identifiers: ClinVar variation 2182194 (VCV002182194.4), dbSNP rs369215628, ClinGen allele CA8717575.